The following is an entry in ClinVar:

NM_001999.4(FBN2):c.2555-4_2555-3delinsAA

Gene: FBN2 (fibrillin 2; minus strand). Cytogenetic location: 5q23.3.
Variant type: Indel.
Coding change: c.2555-4_2555-3delinsAA on transcript NM_001999.4 (MANE Select); 4 bases into the intron before coding-DNA position 2555 through 3 bases into the intron before coding-DNA position 2555, GT replaced by AA.
Molecular consequence: intron variant.
Genome position (GRCh38, 1-based): chr5:128,357,398-128,357,399, AC replaced by TT on the plus strand (GT replaced by AA on the coding strand, the reverse complement: FBN2 is on the minus strand). VCF-style: chr5-128357398-AC-TT. GRCh37 (hg19) VCF-style: chr5-127693090-AC-TT.
Identifiers: ClinVar variation 3727101 (VCV003727101.2).

ClinVar aggregate classification (germline): Uncertain significance (1 of 4 stars; one submission).

Conditions:
Congenital contractural arachnodactyly (CCA). Also called: BEALS SYNDROME; Arthrogryposis, distal, type 9; Beals-Hecht syndrome. Identifiers: Orphanet 115, MedGen C0220668, MONDO:0007363, OMIM 121050.

Submission:

Labcorp Genetics (formerly Invitae), Labcorp
Classification: Uncertain significance for Congenital contractural arachnodactyly. Last evaluated: 2024-12-11. Review status: criteria provided, single submitter. Criteria: Invitae Variant Classification Sherloc (09022015). Collection method: clinical testing. Allele origin: germline.
Comment: This sequence change falls in intron 19 of the FBN2 gene. It does not directly change the encoded amino acid sequence of the FBN2 protein. It affects a nucleotide within the consensus splice site. Information on the frequency of this variant in the gnomAD database is not available, as this variant may be reported differently in the database. This variant has not been reported in the literature in individuals affected with FBN2-related conditions. Variants that disrupt the consensus splice site are a relatively common cause of aberrant splicing (PMID: 17576681, 9536098). In summary, the available evidence is currently insufficient to determine the role of this variant in disease. Therefore, it has been classified as a Variant of Uncertain Significance.

Literature cited by the submitters: PubMed 17576681; PubMed 9536098.